The following is an entry in ClinVar:

NC_000002.12:g.32141904del

Gene: SPAST (spastin; plus strand). Cytogenetic location: 2p22.3.
Variant type: Deletion.
Genome position: GRCh38 VCF-style: chr2-32141902-AG-A. GRCh37 (hg19) VCF-style: chr2-32366971-AG-A.
Identifiers: ClinVar variation 1451684 (VCV001451684.6), dbSNP rs2148758232, ClinGen allele CA2573134507.
Genomic context (GRCh38, chr2:32,141,902, plus strand): 5'-TTTGCTGTTTCAGCTTTAAATTCAAAATTATATTTCTAAAAGTGCTGGATTTTTTTTTTT[AG>A]GCGTTTCATCAAACGGGTATATGTGTCTTTACCAAATGAGGAGGTATGTATCTGTGTTTG-3'

ClinVar aggregate classification (germline): Pathogenic (1 of 4 stars; one submission).

Conditions:
Hereditary spastic paraplegia 4. Also called: Spastic paraplegia 4, autosomal dominant; Familial spastic paraplegia autosomal dominant 2; Spastic Paraplegia 4. Identifiers: Orphanet 100985, MedGen C1866855, MONDO:0008438, OMIM 182601.

Submission:

Labcorp Genetics (formerly Invitae), Labcorp
Classification: Pathogenic for Hereditary spastic paraplegia 4. Last evaluated: 2021-01-26. Review status: criteria provided, single submitter. Criteria: Invitae Variant Classification Sherloc (09022015). Collection method: clinical testing. Allele origin: germline.
Comment: For these reasons, this variant has been classified as Pathogenic. Algorithms developed to predict the effect of sequence changes on RNA splicing suggest that this variant may create or strengthen a splice site, but this prediction has not been confirmed by published transcriptional studies. This variant has not been reported in the literature in individuals with SPAST-related conditions. This variant is not present in population databases (ExAC no frequency). This sequence change creates a premature translational stop signal (p.Arg498Serfs*32) in the SPAST gene. It is expected to result in an absent or disrupted protein product. Loss-of-function variants in SPAST are known to be pathogenic (PMID: 20932283).

Literature cited by the submitters: PubMed 20932283.